The following is an entry in ClinVar:

ClinVar aggregate classification (germline): Uncertain significance. Review status: criteria provided, multiple submitters, no conflicts (2 of 4 stars). 2 submissions from 2 submitters: Uncertain significance (2). Last evaluated 2025-02-17.

Conditions:
Hereditary cancer-predisposing syndrome. Also called: Tumor predisposition; Hereditary Cancer Syndrome; Hereditary neoplastic syndrome; Neoplastic Syndromes, Hereditary. Identifiers: Orphanet 140162, MedGen C0027672, MeSH D009386, MONDO:0015356.
POLD1-related polyposis and colorectal cancer syndrome (CRCS10). Also called: Colorectal cancer 10; COLORECTAL CANCER, SUSCEPTIBILITY TO, ON CHROMOSOME 19q; Colorectal cancer, susceptibility to, 10. Identifiers: Orphanet 220460, MedGen C2675481, MONDO:0012953, OMIM 612591.

gnomAD v4.1: 2 of 1,592,618 alleles (0.00013%); highest among the groups gnomAD compares: Admixed American, 0.0034%; no homozygotes.

Submissions (2):

Labcorp Genetics (formerly Invitae), Labcorp
Classification: Uncertain significance for POLD1-related polyposis and colorectal cancer syndrome. Last evaluated: 2025-02-17. Review status: criteria provided, single submitter. Criteria: Invitae Variant Classification Sherloc (09022015). Collection method: clinical testing. Allele origin: germline.
Comment: This sequence change replaces proline, which is neutral and non-polar, with glutamine, which is neutral and polar, at codon 208 of the POLD1 protein (p.Pro208Gln). This variant is not present in population databases (gnomAD no frequency). This variant has not been reported in the literature in individuals affected with POLD1-related conditions. ClinVar contains an entry for this variant (Variation ID: 1003133). Invitae Evidence Modeling of protein sequence and biophysical properties (such as structural, functional, and spatial information, amino acid conservation, physicochemical variation, residue mobility, and thermodynamic stability) indicates that this missense variant is not expected to disrupt POLD1 protein function with a negative predictive value of 80%. In summary, the available evidence is currently insufficient to determine the role of this variant in disease. Therefore, it has been classified as a Variant of Uncertain Significance.

Ambry Genetics
Classification: Uncertain significance for Hereditary cancer-predisposing syndrome. Last evaluated: 2024-05-02. Review status: criteria provided, single submitter. Criteria: Ambry Variant Classification Scheme 2023. Collection method: clinical testing. Allele origin: germline.
Comment: The p.P208Q variant (also known as c.623C>A), located in coding exon 5 of the POLD1 gene, results from a C to A substitution at nucleotide position 623. The proline at codon 208 is replaced by glutamine, an amino acid with similar properties. This amino acid position is conserved. In addition, this alteration is predicted to be tolerated by in silico analysis. Since supporting evidence is limited at this time, the clinical significance of this alteration remains unclear.

NM_002691.4(POLD1):c.623C>A (p.Pro208Gln)

Gene: POLD1 (DNA polymerase delta 1, catalytic subunit; plus strand). Cytogenetic location: 19q13.33.
Variant type: single nucleotide variant.
Coding change: c.623C>A on transcript NM_002691.4 (MANE Select); coding-DNA position 623, C replaced by A.
Protein change: p.Pro208Gln; replaces proline 208 with glutamine.
Molecular consequence: missense variant. On other transcripts: non-coding transcript variant (1).
Genome position (GRCh38, 1-based): chr19:50,402,238, C>A. VCF-style: chr19-50402238-C-A. GRCh37 (hg19) VCF-style: chr19-50905495-C-A.
Other names: c.623C>A, p.Pro208Gln (NM_001256849.1, NM_001308632.1); short protein forms P208Q.
Identifiers: ClinVar variation 1003133 (VCV001003133.12), dbSNP rs774030917, ClinGen allele CA406973944.